The following is an entry in ClinVar:

ClinVar aggregate classification (germline): Uncertain significance (1 of 4 stars; one submission).

Conditions:
Kabuki syndrome. Also called: NIIKAWA-KUROKI SYNDROME; Kabuki make-up syndrome. Identifiers: Orphanet 2322, MedGen C0796004, MONDO:0016512.

gnomAD v4.1: 2 of 1,576,998 alleles (0.00013%); highest among the groups gnomAD compares: Non-Finnish European, 0.00017%; no homozygotes.

Submission:

Labcorp Genetics (formerly Invitae), Labcorp
Classification: Uncertain significance for Kabuki syndrome. Last evaluated: 2024-03-01. Review status: criteria provided, single submitter. Criteria: Invitae Variant Classification Sherloc (09022015). Collection method: clinical testing. Allele origin: germline.
Comment: This sequence change replaces glycine, which is neutral and non-polar, with cysteine, which is neutral and slightly polar, at codon 2851 of the KMT2D protein (p.Gly2851Cys). This variant is not present in population databases (gnomAD no frequency). This variant has not been reported in the literature in individuals affected with KMT2D-related conditions. Advanced modeling of protein sequence and biophysical properties (such as structural, functional, and spatial information, amino acid conservation, physicochemical variation, residue mobility, and thermodynamic stability) performed at Invitae indicates that this missense variant is not expected to disrupt KMT2D protein function with a negative predictive value of 95%. In summary, the available evidence is currently insufficient to determine the role of this variant in disease. Therefore, it has been classified as a Variant of Uncertain Significance.

NM_003482.4(KMT2D):c.8551G>T (p.Gly2851Cys)

Gene: KMT2D (lysine methyltransferase 2D; minus strand). Cytogenetic location: 12q13.12.
Variant type: single nucleotide variant.
Coding change: c.8551G>T on transcript NM_003482.4 (MANE Select); coding-DNA position 8551, G replaced by T.
Protein change: p.Gly2851Cys; replaces glycine 2851 with cysteine.
Molecular consequence: missense variant.
Genome position (GRCh38, 1-based): chr12:49,038,805, C>A on the plus strand (G>T on the coding strand, the complement: KMT2D is on the minus strand). VCF-style: chr12-49038805-C-A. GRCh37 (hg19) VCF-style: chr12-49432588-C-A.
Other names: short protein forms G2851C.
Identifiers: ClinVar variation 3636683 (VCV003636683.2).